The following is an entry in ClinVar:

NM_004415.4(DSP):c.6200T>G (p.Leu2067Arg)

Gene: DSP (desmoplakin; plus strand). Cytogenetic location: 6p24.3.
Variant type: single nucleotide variant.
Coding change: c.6200T>G on transcript NM_004415.4 (MANE Select); coding-DNA position 6200, T replaced by G.
Protein change: p.Leu2067Arg; replaces leucine 2067 with arginine.
Molecular consequence: missense variant.
Genome position (GRCh38, 1-based): chr6:7,583,462, T>G. VCF-style: chr6-7583462-T-G. GRCh37 (hg19) VCF-style: chr6-7583695-T-G.
Other names: c.4403T>G, p.Leu1468Arg (NM_001008844.3); c.4871T>G, p.Leu1624Arg (NM_001319034.2); short protein forms L1468R, L1624R, L2067R.
Identifiers: ClinVar variation 1331979 (VCV001331979.3), dbSNP rs2113699736, ClinGen allele CA362690294.
Genomic context (GRCh38, chr6:7,583,462, plus strand): 5'-TGCTTCTGGAGGCCCAGGCAGCTACAGGTGGTATAATTGATCCCCATCGGAATGAGAAGC[T>G]GACTGTCGACAGTGCCATAGCTCGGGACCTCATTGACTTCGATGACCGTCAGCAGATATA-3'
Protein context (NP_004406.2, residues 2057-2077): GIIDPHRNEK[Leu2067Arg]TVDSAIARDL

ClinVar aggregate classification (germline): Uncertain significance (1 of 4 stars; one submission).

Conditions:
Cardiomyopathy (CMYO). Also called: Cardiomyopathies. Identifiers: Orphanet 167848, MedGen C0878544, MONDO:0004994, HP:0001638. Inheritance: Various modes of inheritance.

Submission:

Color Diagnostics, LLC DBA Color Health
Classification: Uncertain significance for Cardiomyopathy. Last evaluated: 2024-03-06. Review status: criteria provided, single submitter. Criteria: ACMG Guidelines, 2015. Collection method: clinical testing. Allele origin: germline.
Comment: This missense variant replaces leucine with arginine at codon 2067 of the DSP protein. Computational prediction suggests that this variant may have deleterious impact on protein structure and function (internally defined REVEL score threshold >= 0.7, PMID: 27666373). To our knowledge, functional studies have not been reported for this variant. This variant has not been reported in individuals affected with cardiovascular disorders in the literature. This variant has not been identified in the general population by the Genome Aggregation Database (gnomAD). The available evidence is insufficient to determine the role of this variant in disease conclusively. Therefore, this variant is classified as a Variant of Uncertain Significance.